The following is an entry in ClinVar:

ClinVar aggregate classification (germline): Uncertain significance (1 of 4 stars; one submission).

Conditions:
Hereditary breast ovarian cancer syndrome. Also called: BRCA1- and BRCA2-Associated Hereditary Breast and Ovarian Cancer; Hereditary breast and ovarian cancer syndrome (HBOC); Hereditary breast and/or ovarian cancer syndrome; Hereditary breast and ovarian cancer syndrome; Hereditary breast and ovarian cancer; Breast and ovarian cancer. Identifiers: Orphanet 145, MedGen C0677776, MeSH D061325, MONDO:0003582. Disease mechanism: loss of function.

Submission:

Labcorp Genetics (formerly Invitae), Labcorp
Classification: Uncertain significance for Hereditary breast ovarian cancer syndrome. Last evaluated: 2022-10-04. Review status: criteria provided, single submitter. Criteria: Invitae Variant Classification Sherloc (09022015). Collection method: clinical testing. Allele origin: germline.
Comment: This variant is not present in population databases (gnomAD no frequency). This sequence change replaces lysine, which is basic and polar, with arginine, which is basic and polar, at codon 1601 of the BRCA1 protein (p.Lys1601Arg). This variant has not been reported in the literature in individuals affected with BRCA1-related conditions. Advanced modeling of protein sequence and biophysical properties (such as structural, functional, and spatial information, amino acid conservation, physicochemical variation, residue mobility, and thermodynamic stability) performed at Invitae indicates that this missense variant is not expected to disrupt BRCA1 protein function. In summary, the available evidence is currently insufficient to determine the role of this variant in disease. Therefore, it has been classified as a Variant of Uncertain Significance.

NM_007294.4(BRCA1):c.4802A>G (p.Lys1601Arg)

Gene: BRCA1 (BRCA1 DNA repair associated; minus strand). Cytogenetic location: 17q21.31.
Variant type: single nucleotide variant.
Coding change: c.4802A>G on transcript NM_007294.4 (MANE Select); coding-DNA position 4802, A replaced by G.
Protein change: p.Lys1601Arg; replaces lysine 1601 with arginine.
Molecular consequence: missense variant. On other transcripts: non-coding transcript variant (1).
Genome position (GRCh38, 1-based): chr17:43,071,112, T>C on the plus strand (A>G on the coding strand, the complement: BRCA1 is on the minus strand). VCF-style: chr17-43071112-T-C. GRCh37 (hg19) VCF-style: chr17-41223129-T-C.
Other names: c.4670A>G, p.Lys1557Arg (NM_001407690.1, NM_001407691.1); c.4661A>G, p.Lys1554Arg (NM_001407692.1, NM_001407694.1, NM_001407695.1 and 13 more transcripts); c.4673A>G, p.Lys1558Arg (NM_001407689.1, NM_001407681.1, NM_001407682.1 and 6 more transcripts); c.4589A>G, p.Lys1530Arg (NM_001407571.1, NM_001407894.1, NM_001407895.1 and 12 more transcripts); c.4868A>G, p.Lys1623Arg (NM_001407581.1, NM_001407582.1); c.4865A>G, p.Lys1622Arg (NM_001407583.1, NM_001407585.1, NM_001407587.1 and 1 more transcripts); c.4862A>G, p.Lys1621Arg (NM_001407590.1, NM_001407591.1); c.4802A>G, p.Lys1601Arg (NM_001407593.1, NM_001407594.1, NM_001407596.1 and 8 more transcripts); and 70 more; short protein forms K1304R, K1305R, K1432R, K1447R, K1472R, K1473R, K1474R, K1488R.
Identifiers: ClinVar variation 1720991 (VCV001720991.6), dbSNP rs2153837389, ClinGen allele CA10591917.
Genomic context (GRCh38, chr17:43,071,112, plus strand): 5'-TCAGTAGTATGAGCAGCAGCTGGACTCTGGGCAGATTCTGCAACTTTCAATTGGGGAACT[T>C]TCAATGCAGAGGTTGAAGATGGTATGTTGCCAACACGAGCTGACTCTGGGGCTCTGTCTT-3'
Protein context (NP_009225.1, residues 1591-1611): GNIPSSTSAL[Lys1601Arg]VPQLKVAESA